The following is an entry in ClinVar:

NM_032601.3(MCEE):c.-15G>T

Gene: MCEE (methylmalonyl-CoA epimerase; minus strand). Cytogenetic location: 2p13.3.
Variant type: single nucleotide variant.
Coding change: c.-15G>T on transcript NM_032601.3; 15 bases upstream of the start codon, G replaced by T.
Genome position (GRCh38, 1-based): chr2:71,130,234, C>A on the plus strand (G>T on the coding strand, the complement: MCEE is on the minus strand). VCF-style: chr2-71130234-C-A. GRCh37 (hg19) VCF-style: chr2-71357364-C-A.
Identifiers: ClinVar variation 382957 (VCV000382957.3), dbSNP rs371660930, ClinGen allele CA1702698.

ClinVar aggregate classification (germline): Likely benign (1 of 4 stars; one submission).

Allele frequency attached by ClinVar (database versions not stated): 1000 Genomes Project 30x 0.00016; gnomAD 0.00022 and 0.00026; 1000 Genomes Project 0.00020; gnomAD exomes 0.00011; ExAC 0.00015; TOPMed 0.00022.

Submission:

GeneDx
Classification: Likely benign. Last evaluated: 2018-03-01. Review status: criteria provided, single submitter. Criteria: GeneDx Variant Classification (06012015). Collection method: clinical testing. Allele origin: germline. Affected: yes.
Comment: This variant is considered likely benign or benign based on one or more of the following criteria: it is a conservative change, it occurs at a poorly conserved position in the protein, it is predicted to be benign by multiple in silico algorithms, and/or has population frequency not consistent with disease.